The following is an entry in ClinVar:

NM_001127453.2(GSDME):c.212-6T>A

Gene: GSDME (gasdermin E; minus strand). Cytogenetic location: 7p15.3.
Variant type: single nucleotide variant.
Coding change: c.212-6T>A on transcript NM_001127453.2 (MANE Select); 6 bases into the intron before coding-DNA position 212, T replaced by A.
Molecular consequence: intron variant.
Genome position (GRCh38, 1-based): chr7:24,744,760, A>T on the plus strand (T>A on the coding strand, the complement: GSDME is on the minus strand). VCF-style: chr7-24744760-A-T. GRCh37 (hg19) VCF-style: chr7-24784379-A-T.
Other names: c.-281-6T>A (NM_001127454.2); c.212-6T>A (NM_004403.3).
Identifiers: ClinVar variation 228557 (VCV000228557.4), dbSNP rs876657773, ClinGen allele CA10576727.

ClinVar aggregate classification (germline): Uncertain significance (1 of 4 stars; one submission).

Allele frequency attached by ClinVar (database versions not stated): gnomAD exomes below 0.00001.
gnomAD v4.1: 2 of 1,613,936 alleles (0.00012%); highest among the groups gnomAD compares: Non-Finnish European, 0.00017%; no homozygotes.

Submission:

Laboratory for Molecular Medicine, Mass General Brigham Personalized Medicine
Classification: Uncertain significance. Last evaluated: 2015-08-06. Review status: criteria provided, single submitter. Criteria: LMM Criteria. Collection method: clinical testing. Allele origin: germline. Observed: 1 variant allele.
Comment: The c.212-6T>A variant in DFNA5 has not been previously reported in individuals with hearing loss or in large population studies. This variant is located in the 3' splice region. Computational tools do not suggest an impact to splicing. How ever, this information is not predictive enough to rule out pathogenicity. In su mmary, the clinical significance of the c.212-6T>A variant is uncertain.